The following is an entry in ClinVar:

ClinVar aggregate classification (germline): Likely benign (0 of 4 stars; one submission).

Conditions:
RECQL5-related disorder. Also called: RECQL5-related condition.

Submission:

PreventionGenetics, part of Exact Sciences
Classification: Likely benign for RECQL5-related condition. Last evaluated: 2024-04-17. Review status: no assertion criteria provided. Collection method: clinical testing. Allele origin: germline.
Comment: This variant is classified as likely benign based on ACMG/AMP sequence variant interpretation guidelines (Richards et al. 2015 PMID: 25741868, with internal and published modifications).

NM_004259.7(RECQL5):c.2328T>C (p.Ala776=)

Gene: RECQL5 (RecQ like helicase 5; minus strand). Cytogenetic location: 17q25.1.
Variant type: single nucleotide variant.
Coding change: c.2328T>C on transcript NM_004259.7 (MANE Select); coding-DNA position 2328, T replaced by C.
Protein change: p.Ala776=; no amino-acid change (alanine 776 retained).
Molecular consequence: synonymous variant.
Genome position (GRCh38, 1-based): chr17:75,629,095, A>G on the plus strand (T>C on the coding strand, the complement: RECQL5 is on the minus strand). VCF-style: chr17-75629095-A-G. GRCh37 (hg19) VCF-style: chr17-73625175-A-G.
Identifiers: ClinVar variation 3351973 (VCV003351973.1).